The following is an entry in ClinVar:

ClinVar aggregate classification (germline): Pathogenic (1 of 4 stars; one submission).

Submission:

Labcorp Genetics (formerly Invitae), Labcorp
Classification: Pathogenic. Last evaluated: 2023-12-12. Review status: criteria provided, single submitter. Criteria: Invitae Variant Classification Sherloc (09022015). Collection method: clinical testing. Allele origin: germline.
Comment: A copy number gain of the genomic region encompassing the full coding sequence of the PTHLH gene has been identified. The boundaries of this event are unknown as they extend beyond the assayed region for this gene and therefore may encompass additional genes. As the precise location of this event is unknown, it may be in tandem or it may be located elsewhere in the genome. A similar copy number variant has been observed in individual(s) with brachydactyly type E/A1 accompanied by additional skeletal features (PMID: 26733284). It has also been observed to segregate with disease in related individuals. For these reasons, this variant has been classified as Pathogenic.

Literature cited by the submitters: PubMed 26733284.

NC_000012.11:g.(?_28111492)_(28122427_?)dup

Gene: PTHLH (parathyroid hormone like hormone; minus strand). Cytogenetic location: 12p11.22.
Variant type: Duplication.
Identifiers: ClinVar variation 1459726 (VCV001459726.5).